The following is an entry in ClinVar:

ClinVar aggregate classification (germline): Likely benign (1 of 4 stars; one submission).

Allele frequency attached by ClinVar (database versions not stated): 1000 Genomes Project 30x 0.00078; 1000 Genomes Project 0.00080; gnomAD exomes 0.00140; gnomAD 0.00181; TOPMed 0.00203; ExAC 0.00314.
gnomAD v4.1: 2,444 of 1,611,760 alleles (0.15%); highest among the groups gnomAD compares: Middle Eastern, 2.8%; 18 homozygotes.

Submission:

CeGaT Center for Human Genetics Tuebingen
Classification: Likely benign. Last evaluated: 2022-10-01. Review status: criteria provided, single submitter. Criteria: CeGaT Center For Human Genetics Tuebingen Variant Classification Criteria Version 2. Collection method: clinical testing. Allele origin: germline. Affected: yes. Observed: 1 variant allele.
Comment: PRAMEF14: BP4, BP7

NM_001024661.2(PRAMEF14):c.942C>T (p.Ser314=)

Gene: PRAMEF14 (PRAME family member 14; minus strand). Cytogenetic location: 1p36.21.
Variant type: single nucleotide variant.
Coding change: c.942C>T on transcript NM_001024661.2 (MANE Select); coding-DNA position 942, C replaced by T.
Protein change: p.Ser314=; no amino-acid change (serine 314 retained).
Molecular consequence: synonymous variant.
Genome position (GRCh38, 1-based): chr1:13,343,011, G>A on the plus strand (C>T on the coding strand, the complement: PRAMEF14 is on the minus strand). VCF-style: chr1-13343011-G-A. GRCh37 (hg19) VCF-style: chr1-13669388-G-A.
Identifiers: ClinVar variation 2638283 (VCV002638283.24), dbSNP rs543995470, ClinGen allele CA416392172.